The following is an entry in ClinVar:

ClinVar aggregate classification (germline): Pathogenic (1 of 4 stars; one submission).

Conditions:
Dilated cardiomyopathy 1O (CMD1O). Also called: CARDIOMYOPATHY, DILATED, WITH VENTRICULAR TACHYCARDIA. Identifiers: Orphanet 154, MedGen C1837839, MONDO:0012062, OMIM 608569.

Allele frequency attached by ClinVar (database versions not stated): gnomAD exomes 0.00001.
gnomAD v4.1: 7 of 1,613,610 alleles (0.00043%); highest among the groups gnomAD compares: Non-Finnish European, 0.00059%; no homozygotes.

Submission:

Labcorp Genetics (formerly Invitae), Labcorp
Classification: Pathogenic for Dilated cardiomyopathy 1O. Last evaluated: 2024-10-01. Review status: criteria provided, single submitter. Criteria: Invitae Variant Classification Sherloc (09022015). Collection method: clinical testing. Allele origin: germline.
Comment: This sequence change creates a premature translational stop signal (p.Ser943*) in the ABCC9 gene. It is expected to result in an absent or disrupted protein product. Loss-of-function variants in ABCC9 are known to be pathogenic (PMID: 31575858, 38217872). This variant is not present in population databases (gnomAD no frequency). This variant has not been reported in the literature in individuals affected with ABCC9-related conditions. ClinVar contains an entry for this variant (Variation ID: 2008293). For these reasons, this variant has been classified as Pathogenic.

Literature cited by the submitters: PubMed 31575858; PubMed 38217872.

NM_020297.4(ABCC9):c.2828C>G (p.Ser943Ter)

Gene: ABCC9 (ATP binding cassette subfamily C member 9; minus strand). Cytogenetic location: 12p12.1.
Variant type: single nucleotide variant.
Coding change: c.2828C>G on transcript NM_020297.4 (MANE Select); coding-DNA position 2828, C replaced by G.
Protein change: p.Ser943Ter; replaces serine 943 with a stop codon.
Molecular consequence: nonsense.
Genome position (GRCh38, 1-based): chr12:21,848,188, G>C on the plus strand (C>G on the coding strand, the complement: ABCC9 is on the minus strand). VCF-style: chr12-21848188-G-C. GRCh37 (hg19) VCF-style: chr12-22001122-G-C.
Other names: c.2828C>G, p.Ser943Ter (NM_001377273.1, NM_005691.4); c.1961C>G, p.Ser654Ter (NM_001377274.1); short protein forms S654*, S943*.
Identifiers: ClinVar variation 2008293 (VCV002008293.4), dbSNP rs2541102937, ClinGen allele CA384121968.
Genomic context (GRCh38, chr12:21,848,188, plus strand): 5'-AGATAAAAGAAAAAAGATCTACCTTCGTCTTCGTCCTCCATCTGGGCTTTGGCTTCTCTT[G>C]AATACATGGCCCGTCGGAGAGTTTTCCTCTCTAAAGTAGTTTGGTCAGCTTCCATATCCT-3'